The following is an entry in ClinVar:

NM_003995.4(NPR2):c.2732C>A (p.Ala911Asp)

Genes: NPR2 (natriuretic peptide receptor 2; plus strand), SPAG8 (sperm associated antigen 8; minus strand). Cytogenetic location: 9p13.3.
Variant type: single nucleotide variant.
Coding change: c.2732C>A on transcript NM_003995.4 (MANE Select); coding-DNA position 2732, C replaced by A.
Protein change: p.Ala911Asp; replaces alanine 911 with aspartic acid.
Molecular consequence: missense variant. On other transcripts: intron variant (2).
Genome position (GRCh38, 1-based): chr9:35,808,528, C>A. VCF-style: chr9-35808528-C-A. GRCh37 (hg19) VCF-style: chr9-35808525-C-A.
Other names: c.2741C>A, p.Ala914Asp (NM_001378923.1); c.1201-222G>T (NM_001366760.2); c.1373-222G>T (NM_172312.2); short protein forms A911D, A914D.
Identifiers: ClinVar variation 2085275 (VCV002085275.4), dbSNP rs1349785301, ClinGen allele CA373384810.
Genomic context (GRCh38, chr9:35,808,528, plus strand): 5'-GATATAAATAGAGGTGACCTTTTAATCCCCCTCTCAATCAGGTGGAGACGATTGGGGATG[C>A]TTACATGGTGGTATCTGGCCTCCCAGGCCGAAATGGTCAACGCCATGCACCAGAAATTGC-3'
Protein context (NP_003986.2, residues 901-921): DVYKVETIGD[Ala911Asp]YMVVSGLPGR

ClinVar aggregate classification (germline): Uncertain significance (1 of 4 stars; one submission).

Conditions:
Acromesomelic dysplasia 1, Maroteaux type (AMD1). Also called: ST. HELENA DYSPLASIA; ACROMESOMELIC DYSPLASIA 1. Identifiers: Orphanet 40, MedGen C1864356, MONDO:0011275, OMIM 602875.
Tall stature-scoliosis-macrodactyly of the great toes syndrome. Also called: Epiphyseal chondrodysplasia, miura type. Identifiers: Orphanet 329191, MedGen C4014690, MONDO:0014401, OMIM 615923.

Submission:

Labcorp Genetics (formerly Invitae), Labcorp
Classification: Uncertain significance for Tall stature-scoliosis-macrodactyly of the great toes syndrome; Acromesomelic dysplasia 1, Maroteaux type. Last evaluated: 2022-04-10. Review status: criteria provided, single submitter. Criteria: Invitae Variant Classification Sherloc (09022015). Collection method: clinical testing. Allele origin: germline.
Comment: This variant is not present in population databases (gnomAD no frequency). This sequence change replaces alanine, which is neutral and non-polar, with aspartic acid, which is acidic and polar, at codon 911 of the NPR2 protein (p.Ala911Asp). This missense change has been observed in individual(s) with clinical features of NPR2-related conditions (Invitae). Algorithms developed to predict the effect of missense changes on protein structure and function (SIFT, PolyPhen-2, Align-GVGD) all suggest that this variant is likely to be disruptive. Algorithms developed to predict the effect of sequence changes on RNA splicing suggest that this variant may disrupt the consensus splice site. In summary, the available evidence is currently insufficient to determine the role of this variant in disease. Therefore, it has been classified as a Variant of Uncertain Significance.